The following is an entry in ClinVar:

NM_001317778.2(SFTPC):c.*174G>A

Gene: SFTPC (surfactant protein C; plus strand). Cytogenetic location: 8p21.3.
Variant type: single nucleotide variant.
Coding change: c.*174G>A on transcript NM_001317778.2 (MANE Select); 174 bases downstream of the stop codon, G replaced by A.
Molecular consequence: 3 prime UTR variant.
Genome position (GRCh38, 1-based): chr8:22,164,421, G>A. VCF-style: chr8-22164421-G-A. GRCh37 (hg19) VCF-style: chr8-22021934-G-A.
Other names: c.*380G>A (NM_001172357.2); c.*166G>A (NM_001172410.2, NM_001317780.2); c.*174G>A (NM_001317779.2, NM_003018.4).
Identifiers: ClinVar variation 362570 (VCV000362570.8), dbSNP rs1139547, ClinGen allele CA4664112.

ClinVar aggregate classification (germline): Benign. Review status: criteria provided, multiple submitters, no conflicts (2 of 4 stars). 3 submissions from 3 submitters: Benign (3). Last evaluated 2023-03-24.

Conditions:
Surfactant metabolism dysfunction, pulmonary, 2 (SMDP2). Also called: DESQUAMATIVE INTERSTITIAL PNEUMONITIS DUE TO SURFACTANT PROTEIN C DEFICIENCY; INTERSTITIAL LUNG DISEASE DUE TO SURFACTANT PROTEIN C DEFICIENCY; PULMONARY ALVEOLAR PROTEINOSIS, CONGENITAL, 2. Identifiers: Orphanet 440392, MedGen C1970470, MONDO:0024465, OMIM 610913.

Allele frequency attached by ClinVar (database versions not stated): 1000 Genomes Project 0.24101; ExAC 0.31322; gnomAD 0.26088 and 0.26144; TOPMed 0.26111; gnomAD exomes 0.28687 and 0.30314; 1000 Genomes Project 30x 0.23314.
gnomAD v4.1: 447,359 of 1,496,792 alleles (30%); highest among the groups gnomAD compares: East Asian, 32%; 68,270 homozygotes.

Submissions (3):

Blueprint Genetics
Classification: Benign. Last evaluated: 2023-03-24. Review status: criteria provided, single submitter. Criteria: ACMG Guidelines, 2015. Collection method: clinical testing. Allele origin: germline.

Illumina Laboratory Services, Illumina
Classification: Benign for Surfactant metabolism dysfunction, pulmonary, 2. Last evaluated: 2018-01-13. Review status: criteria provided, single submitter. Criteria: ICSL Variant Classification Criteria 13 December 2019. Collection method: clinical testing. Allele origin: germline.
Comment: This variant was observed in the ICSL laboratory as part of a predisposition screen in an ostensibly healthy population. It had not been previously curated by ICSL or reported in the Human Gene Mutation Database (HGMD: prior to June 1st, 2018), and was therefore a candidate for classification through an automated scoring system. Utilizing variant allele frequency, disease prevalence and penetrance estimates, and inheritance mode, an automated score was calculated to assess if this variant is too frequent to cause the disease. Based on the score and internal cut-off values, a variant classified as benign is not then subjected to further curation. The score for this variant resulted in a classification of benign for this disease.

Breakthrough Genomics
Classification: Benign. Review status: criteria provided, single submitter. Criteria: ACMG Guidelines, 2015. Collection method: not provided. Allele origin: germline. Inheritance: Autosomal dominant inheritance. Affected: yes.